The following is an entry in ClinVar:

ClinVar aggregate classification (germline): Likely benign (1 of 4 stars; one submission).

Submission:

CeGaT Center for Human Genetics Tuebingen
Classification: Likely benign. Last evaluated: 2023-03-01. Review status: criteria provided, single submitter. Criteria: CeGaT Center For Human Genetics Tuebingen Variant Classification Criteria Version 2. Collection method: clinical testing. Allele origin: germline. Affected: yes. Observed: 1 variant allele.
Comment: ANKRD36C: BP4, BP7

NM_001393982.1(ANKRD36C):c.5664C>T (p.His1888=)

Gene: ANKRD36C (ankyrin repeat domain 36C; minus strand). Cytogenetic location: 2q11.1.
Variant type: single nucleotide variant.
Coding change: c.5664C>T on transcript NM_001393982.1 (MANE Select); coding-DNA position 5664, C replaced by T.
Protein change: p.His1888=; no amino-acid change (histidine 1888 retained).
Molecular consequence: synonymous variant.
Genome position (GRCh38, 1-based): chr2:95,855,620, G>A on the plus strand (C>T on the coding strand, the complement: ANKRD36C is on the minus strand). VCF-style: chr2-95855620-G-A. GRCh37 (hg19) VCF-style: chr2-96521368-G-A.
Other names: c.5739C>T, p.His1913= (NM_001310154.3).
Identifiers: ClinVar variation 2651126 (VCV002651126.24), dbSNP rs776643014, ClinGen allele CA427804438.